The following is an entry in ClinVar:

NM_004006.3(DMD):c.1727C>A (p.Ser576Ter)

Gene: DMD (dystrophin; minus strand). Cytogenetic location: Xp21.1.
Variant type: single nucleotide variant.
Coding change: c.1727C>A on transcript NM_004006.3 (MANE Select); coding-DNA position 1727, C replaced by A.
Protein change: p.Ser576Ter; replaces serine 576 with a stop codon.
Molecular consequence: nonsense.
Genome position (GRCh38, 1-based): chrX:32,573,615, G>T on the plus strand (C>A on the coding strand, the complement: DMD is on the minus strand). VCF-style: chrX-32573615-G-T. GRCh37 (hg19) VCF-style: chrX-32591732-G-T.
Other names: p.Ser576*; c.1703C>A, p.Ser568Ter (NM_000109.4); c.1715C>A, p.Ser572Ter (NM_004009.3); c.1358C>A, p.Ser453Ter (NM_004010.3); short protein forms S453*, S568*, S572*, S576*.
Identifiers: ClinVar variation 3338844 (VCV003338844.2), dbSNP rs2052678684.

ClinVar aggregate classification (germline): Pathogenic. Review status: criteria provided, multiple submitters, no conflicts (2 of 4 stars). 2 submissions from 2 submitters: Pathogenic (2). Last evaluated 2023-11-08.

Submissions (2):

GeneDx
Classification: Pathogenic. Last evaluated: 2023-11-08. Review status: criteria provided, single submitter. Criteria: GeneDx Variant Classification Process June 2021. Collection method: clinical testing. Allele origin: germline. Affected: yes.
Comment: Nonsense variant predicted to result in protein truncation or nonsense mediated decay in a gene for which loss of function is a known mechanism of disease; Not observed at significant frequency in large population cohorts (gnomAD); This variant is associated with the following publications: (PMID: 25525159, 19937601, 27593222)

Mayo Clinic Laboratories, Mayo Clinic
Classification: Pathogenic. Last evaluated: 2023-08-29. Review status: criteria provided, single submitter. Criteria: ACMG Guidelines, 2015. Collection method: clinical testing. Allele origin: germline. Observed: 1 variant allele.
Comment: PM2_moderate, PS4_supporting, PVS1

Literature cited by the submitters: PubMed 19937601 (cited by Mayo Clinic Laboratories, Mayo Clinic); PubMed 27593222 (cited by Mayo Clinic Laboratories, Mayo Clinic).